The following is an entry in ClinVar:

NM_001278116.2(L1CAM):c.3542+14G>A

Gene: L1CAM (L1 cell adhesion molecule; minus strand). Cytogenetic location: Xq28.
Variant type: single nucleotide variant.
Coding change: c.3542+14G>A on transcript NM_001278116.2 (MANE Select); 14 bases into the intron after coding-DNA position 3542, G replaced by A.
Molecular consequence: intron variant.
Genome position (GRCh38, 1-based): chrX:153,863,354, C>T on the plus strand (G>A on the coding strand, the complement: L1CAM is on the minus strand). VCF-style: chrX-153863354-C-T. GRCh37 (hg19) VCF-style: chrX-153128809-C-T.
Other names: c.3515+123G>A (NM_001143963.2); c.3530+123G>A (NM_024003.3); c.3542+14G>A (NM_000425.5).
Identifiers: ClinVar variation 507409 (VCV000507409.8), dbSNP rs782488294, ClinGen allele CA10553922.

ClinVar aggregate classification (germline): Benign/Likely benign. Review status: criteria provided, multiple submitters, no conflicts (2 of 4 stars). 2 submissions from 2 submitters: Benign (1); Likely benign (1). Last evaluated 2026-02-01.

Conditions:
Spastic paraplegia. Identifiers: MedGen C0037772, HP:0001258.

Allele frequency attached by ClinVar (database versions not stated): gnomAD exomes 0.00003 and 0.00016; gnomAD 0.00004; TOPMed 0.00009; ExAC 0.00015.
gnomAD v4.1: 39 of 1,207,126 alleles (0.0032%); highest among the groups gnomAD compares: Admixed American, 0.07%; no homozygotes.

Submissions (2):

Labcorp Genetics (formerly Invitae), Labcorp
Classification: Benign for Spastic paraplegia. Last evaluated: 2026-02-01. Review status: criteria provided, single submitter. Criteria: Invitae Variant Classification Sherloc (09022015). Collection method: clinical testing. Allele origin: germline.

GeneDx
Classification: Likely benign. Last evaluated: 2017-02-07. Review status: criteria provided, single submitter. Criteria: GeneDx Variant Classification (06012015). Collection method: clinical testing. Allele origin: germline. Affected: yes.
Comment: This variant is considered likely benign or benign based on one or more of the following criteria: it is a conservative change, it occurs at a poorly conserved position in the protein, it is predicted to be benign by multiple in silico algorithms, and/or has population frequency not consistent with disease.